The following is an entry in ClinVar:

ClinVar aggregate classification (germline): Uncertain significance (1 of 4 stars; one submission).

Submission:

Labcorp Genetics (formerly Invitae), Labcorp
Classification: Uncertain significance. Last evaluated: 2021-08-26. Review status: criteria provided, single submitter. Criteria: Invitae Variant Classification Sherloc (09022015). Collection method: clinical testing. Allele origin: germline.
Comment: This sequence change replaces lysine with asparagine at codon 292 of the FH protein (p.Lys292Asn). The lysine residue is highly conserved and there is a moderate physicochemical difference between lysine and asparagine. This variant is not present in population databases (ExAC no frequency). This variant has not been reported in the literature in individuals affected with FH-related conditions. Advanced modeling of protein sequence and biophysical properties (such as structural, functional, and spatial information, amino acid conservation, physicochemical variation, residue mobility, and thermodynamic stability) performed at Invitae indicates that this missense variant is expected to disrupt FH protein function. In summary, the available evidence is currently insufficient to determine the role of this variant in disease. Therefore, it has been classified as a Variant of Uncertain Significance.

NM_000143.4(FH):c.876G>T (p.Lys292Asn)

Gene: FH (fumarate hydratase; minus strand). Cytogenetic location: 1q43.
Variant type: single nucleotide variant.
Coding change: c.876G>T on transcript NM_000143.4 (MANE Select); coding-DNA position 876, G replaced by T.
Protein change: p.Lys292Asn; replaces lysine 292 with asparagine.
Molecular consequence: missense variant.
Genome position (GRCh38, 1-based): chr1:241,506,031, C>A on the plus strand (G>T on the coding strand, the complement: FH is on the minus strand). VCF-style: chr1-241506031-C-A. GRCh37 (hg19) VCF-style: chr1-241669331-C-A.
Other names: short protein forms K292N.
Identifiers: ClinVar variation 1350490 (VCV001350490.5), dbSNP rs2147917537, ClinGen allele CA345438839.
Genomic context (GRCh38, chr1:241,506,031, plus strand): 5'-GAAAATGAGAAATAATTCACGTGATCACTAACCTGTAAGTGCAGCCACTTTTGCAGCAAC[C>A]TTTTCTGCAAAGCCAATTCTAGTATTTAAACCTGTACCAACAGCAGTGCCTCCAGCTGCG-3'
Protein context (NP_000134.2, residues 282-302): GLNTRIGFAE[Lys292Asn]VAAKVAALTG